The following is an entry in ClinVar:

NM_000718.4(CACNA1B):c.2055G>A (p.Ser685=)

Gene: CACNA1B (calcium voltage-gated channel subunit alpha1 B; plus strand). Cytogenetic location: 9q34.3.
Variant type: single nucleotide variant.
Coding change: c.2055G>A on transcript NM_000718.4 (MANE Select); coding-DNA position 2055, G replaced by A.
Protein change: p.Ser685=; no amino-acid change (serine 685 retained).
Molecular consequence: synonymous variant.
Genome position (GRCh38, 1-based): chr9:138,006,847, G>A. VCF-style: chr9-138006847-G-A. GRCh37 (hg19) VCF-style: chr9-140901299-G-A.
Other names: c.2055G>A (NM_000718.3); c.2055G>A, p.Ser685= (NM_001243812.2).
Identifiers: ClinVar variation 1668170 (VCV001668170.34), dbSNP rs201000167, ClinGen allele CA5376357.
Genomic context (GRCh38, chr9:138,006,847, plus strand): 5'-GAATGCAGTGATGTATCACGGGATCGAATCGCAAGGCGGCGTCAGCAAAGGCATGTTCTC[G>A]TCCTTTTACTTCATTGTCCTGACACTGTTCGGAAACTGTATCCTTCTGTGGGGCTGGGGC-3'
Protein context (NP_000709.1, residues 675-695): SQGGVSKGMF[Ser685=]SFYFIVLTLF

ClinVar aggregate classification (germline): Benign/Likely benign. Review status: criteria provided, multiple submitters, no conflicts (2 of 4 stars). 4 submissions from 4 submitters: Benign (1); Likely benign (2). 1 of the submissions does not count toward it. Last evaluated 2025-11-24.

Conditions:
CACNA1B-related disorder. Also called: CACNA1B-related condition.

Allele frequency attached by ClinVar (database versions not stated): 1000 Genomes Project 30x 0.00062; 1000 Genomes Project 0.00080.

Submissions (4):

Labcorp Genetics (formerly Invitae), Labcorp
Classification: Benign. Last evaluated: 2025-11-24. Review status: criteria provided, single submitter. Criteria: Invitae Variant Classification Sherloc (09022015). Collection method: clinical testing. Allele origin: germline.

Blueprint Genetics
Classification: Likely benign. Last evaluated: 2024-09-18. Review status: criteria provided, single submitter. Criteria: ACMG Guidelines, 2015. Collection method: clinical testing. Allele origin: germline.

CeGaT Center for Human Genetics Tuebingen
Classification: Likely benign. Last evaluated: 2022-03-01. Review status: criteria provided, single submitter. Criteria: CeGaT Center For Human Genetics Tuebingen Variant Classification Criteria Version 2. Collection method: clinical testing. Allele origin: germline. Affected: yes. Observed: 1 variant allele.
Comment: CACNA1B: BP4, BP7

PreventionGenetics, part of Exact Sciences
Classification: Likely benign for CACNA1B-related condition. Last evaluated: 2019-12-09. Review status: no assertion criteria provided. Collection method: clinical testing. Allele origin: germline. Not counted in ClinVar's aggregate classification.
Comment: This variant is classified as likely benign based on ACMG/AMP sequence variant interpretation guidelines (Richards et al. 2015 PMID: 25741868, with internal and published modifications).